The following is an entry in ClinVar:

ClinVar aggregate classification (germline): Uncertain significance (1 of 4 stars; one submission).

Submission:

Ambry Genetics
Classification: Uncertain significance. Last evaluated: 2025-07-28. Review status: criteria provided, single submitter. Criteria: Ambry Variant Classification Scheme 2023. Collection method: clinical testing. Allele origin: germline.
Comment: The p.V1019M variant (also known as c.3055G>A), located in coding exon 1 of the TET2 gene, results from a G to A substitution at nucleotide position 3055. The valine at codon 1019 is replaced by methionine, an amino acid with highly similar properties. This amino acid position is conserved. In addition, this alteration is predicted to be tolerated by in silico analysis. Based on the available evidence, the clinical significance of this variant remains unclear.

NM_001127208.3(TET2):c.3055G>A (p.Val1019Met)

Genes: TET2 (tet methylcytosine dioxygenase 2; plus strand), TET2-AS1 (TET2 antisense RNA 1; minus strand). Cytogenetic location: 4q24.
Variant type: single nucleotide variant.
Coding change: c.3055G>A on transcript NM_001127208.3 (MANE Select); coding-DNA position 3055, G replaced by A.
Protein change: p.Val1019Met; replaces valine 1019 with methionine.
Molecular consequence: missense variant.
Genome position (GRCh38, 1-based): chr4:105,236,997, G>A. VCF-style: chr4-105236997-G-A. GRCh37 (hg19) VCF-style: chr4-106158154-G-A.
Other names: c.3055G>A, p.Val1019Met (NM_017628.4); short protein forms V1019M.
Identifiers: ClinVar variation 4182993 (VCV004182993.1).
Genomic context (GRCh38, chr4:105,236,997, plus strand): 5'-GAAAACAAAACATGGAAAAAGGTAACTAAGCAAGAGAATCCACCTGCAAGCTGTGATAAT[G>A]TGCAGCAAAAGAGCATCATTGAGACCATGGAGCAGCATCTGAAGCAGTTTCACGCCAAGT-3'
Protein context (NP_001120680.1, residues 1009-1029): QENPPASCDN[Val1019Met]QQKSIIETME